The following is an entry in ClinVar:

NM_024592.5(SRD5A3):c.598C>T (p.Arg200Trp)

Genes: SRD5A3 (steroid 5 alpha-reductase 3; plus strand), SRD5A3-AS1 (SRD5A3 antisense RNA 1; minus strand). Cytogenetic location: 4q12.
Variant type: single nucleotide variant.
Coding change: c.598C>T on transcript NM_024592.5 (MANE Select); coding-DNA position 598, C replaced by T.
Protein change: p.Arg200Trp; replaces arginine 200 with tryptophan.
Molecular consequence: missense variant.
Genome position (GRCh38, 1-based): chr4:55,367,623, C>T. VCF-style: chr4-55367623-C-T. GRCh37 (hg19) VCF-style: chr4-56233790-C-T.
Other names: short protein forms R200W.
Identifiers: ClinVar variation 2197646 (VCV002197646.1), dbSNP rs759599389, ClinGen allele CA2925343.
Genomic context (GRCh38, chr4:55,367,623, plus strand): 5'-TGGCTAACAATTCTCATTCCTATAGCCTACATAACAGGGAAAAATCTATTGATGCAAGCA[C>T]GGTGGTTCCATATTCTTGGGATGATGATGTTCATCTGGTCATCTGCCCATCAGTATAAGT-3'
Protein context (NP_078868.1, residues 190-210): ITGKNLLMQA[Arg200Trp]WFHILGMMMF

ClinVar aggregate classification (germline): Uncertain significance (1 of 4 stars; one submission).

Conditions:
SRD5A3-congenital disorder of glycosylation. Also called: COLOBOMA, OCULAR, WITH ICHTHYOSIS, BRAIN MALFORMATIONS, AND ENDOCRINE ABNORMALITIES; CDG Iq; SRD5A3-CDG; Ocular colobomas, ichthyosis, brain malformations and endocrine abnormalities; Congenital disorder of glycosylation type 1Q. Identifiers: Orphanet 324737, MedGen C4317224, MONDO:0012885, OMIM 612379.

Allele frequency attached by ClinVar (database versions not stated): gnomAD 0.00001; ExAC 0.00002; TOPMed 0.00002.

Submission:

Labcorp Genetics (formerly Invitae), Labcorp
Classification: Uncertain significance for SRD5A3-congenital disorder of glycosylation. Last evaluated: 2022-09-13. Review status: criteria provided, single submitter. Criteria: Invitae Variant Classification Sherloc (09022015). Collection method: clinical testing. Allele origin: germline.
Comment: This sequence change replaces arginine, which is basic and polar, with tryptophan, which is neutral and slightly polar, at codon 200 of the SRD5A3 protein (p.Arg200Trp). This variant is present in population databases (rs759599389, gnomAD 0.007%). This variant has not been reported in the literature in individuals affected with SRD5A3-related conditions. Advanced modeling of protein sequence and biophysical properties (such as structural, functional, and spatial information, amino acid conservation, physicochemical variation, residue mobility, and thermodynamic stability) performed at Invitae indicates that this missense variant is not expected to disrupt SRD5A3 protein function. In summary, the available evidence is currently insufficient to determine the role of this variant in disease. Therefore, it has been classified as a Variant of Uncertain Significance.